The following is an entry in ClinVar:

ClinVar aggregate classification (germline): Uncertain significance (1 of 4 stars; one submission).

Conditions:
AFF4-related disorder. Also called: AFF4-related condition.

Submission:

PreventionGenetics, part of Exact Sciences
Classification: Uncertain significance for AFF4-related condition. Last evaluated: 2026-02-25. Review status: criteria provided, single submitter. Criteria: ACMG Guidelines, 2015. Collection method: clinical testing. Allele origin: germline.
Comment: The AFF4 c.857A>C variant is predicted to result in the amino acid substitution p.Glu286Ala. To our knowledge, this variant has not been reported in the literature or in a large population database (gnomAD), indicating this variant is rare. At this time, the clinical significance of this variant is uncertain due to the absence of conclusive functional and genetic evidence.

NM_014423.4(AFF4):c.857A>C (p.Glu286Ala)

Gene: AFF4 (ALF transcription elongation factor 4; minus strand). Cytogenetic location: 5q31.1.
Variant type: single nucleotide variant.
Coding change: c.857A>C on transcript NM_014423.4 (MANE Select); coding-DNA position 857, A replaced by C.
Protein change: p.Glu286Ala; replaces glutamic acid 286 with alanine.
Molecular consequence: missense variant.
Genome position (GRCh38, 1-based): chr5:132,934,208, T>G on the plus strand (A>C on the coding strand, the complement: AFF4 is on the minus strand). VCF-style: chr5-132934208-T-G. GRCh37 (hg19) VCF-style: chr5-132269900-T-G.
Other names: short protein forms E286A.
Identifiers: ClinVar variation 4995303 (VCV004995303.1).